The following is an entry in ClinVar:

NM_000370.3(TTPA):c.75G>C (p.Gln25His)

Gene: TTPA (alpha tocopherol transfer protein; minus strand). Cytogenetic location: 8q12.3.
Variant type: single nucleotide variant.
Coding change: c.75G>C on transcript NM_000370.3 (MANE Select); coding-DNA position 75, G replaced by C.
Protein change: p.Gln25His; replaces glutamine 25 with histidine.
Molecular consequence: missense variant.
Genome position (GRCh38, 1-based): chr8:63,085,947, C>G on the plus strand (G>C on the coding strand, the complement: TTPA is on the minus strand). VCF-style: chr8-63085947-C-G. GRCh37 (hg19) VCF-style: chr8-63998506-C-G.
Other names: short protein forms Q25H.
Identifiers: ClinVar variation 995078 (VCV000995078.9), dbSNP rs751638180, ClinGen allele CA4763320.
Genomic context (GRCh38, chr8:63,085,947, plus strand): 5'-CAGCGGCGCGAGCGGGACGCCAGCTTCCCGGGCCCGGCGCCGCAGCGCCGCCAGGCCCGG[C>G]TGCAGCAACGGAGAGTGGTCCGGTAGCGCGTTGAGCTGCGGCCCCGCCGAGGGCTGGGAT-3'
Protein context (NP_000361.1, residues 15-35): NALPDHSPLL[Gln25His]PGLAALRRRA

ClinVar aggregate classification (germline): Uncertain significance. Review status: criteria provided, multiple submitters, no conflicts (2 of 4 stars). 4 submissions from 4 submitters: Uncertain significance (3). 1 of the submissions does not count toward it. Last evaluated 2025-05-21.

Conditions:
Inborn genetic diseases. Identifiers: MedGen C0950123, MeSH D030342.
Familial isolated deficiency of vitamin E (AVED). Also called: Ataxia with isolated vitamin E deficiency; ATAXIA, FRIEDREICH-LIKE, WITH SELECTIVE VITAMIN E DEFICIENCY. Identifiers: Orphanet 96, MedGen C1848533, MONDO:0010188, OMIM 277460.

Allele frequency attached by ClinVar (database versions not stated): gnomAD 0.00006; TOPMed 0.00006.
gnomAD v4.1: 458 of 1,523,524 alleles (0.03%); highest among the groups gnomAD compares: Non-Finnish European, 0.039%; no homozygotes.

Submissions (4):

Ambry Genetics
Classification: Uncertain significance for Inborn genetic diseases. Last evaluated: 2025-05-21. Review status: criteria provided, single submitter. Criteria: Ambry Variant Classification Scheme 2023. Collection method: clinical testing. Allele origin: germline.

Labcorp Genetics (formerly Invitae), Labcorp
Classification: Uncertain significance. Last evaluated: 2022-07-15. Review status: criteria provided, single submitter. Criteria: Invitae Variant Classification Sherloc (09022015). Collection method: clinical testing. Allele origin: germline.
Comment: This sequence change replaces glutamine, which is neutral and polar, with histidine, which is basic and polar, at codon 25 of the TTPA protein (p.Gln25His). This variant is present in population databases (rs751638180, gnomAD 0.02%). This variant has not been reported in the literature in individuals affected with TTPA-related conditions. ClinVar contains an entry for this variant (Variation ID: 995078). Algorithms developed to predict the effect of missense changes on protein structure and function are either unavailable or do not agree on the potential impact of this missense change (SIFT: "Deleterious"; PolyPhen-2: "Benign"; Align-GVGD: "Class C0"). In summary, the available evidence is currently insufficient to determine the role of this variant in disease. Therefore, it has been classified as a Variant of Uncertain Significance.

Athena Diagnostics
Classification: Uncertain significance. Last evaluated: 2021-11-23. Review status: criteria provided, single submitter. Criteria: Athena Diagnostics Criteria. Collection method: clinical testing. Allele origin: unknown.

Natera, Inc.
Classification: Uncertain significance for Ataxia with isolated vitamin E deficiency. Last evaluated: 2019-11-07. Review status: no assertion criteria provided. Collection method: clinical testing. Allele origin: germline. Not counted in ClinVar's aggregate classification.